The following is an entry in ClinVar:

NM_198503.5(KCNT2):c.2316A>C (p.Pro772=)

Gene: KCNT2 (potassium sodium-activated channel subfamily T member 2; minus strand). Cytogenetic location: 1q31.3.
Variant type: single nucleotide variant.
Coding change: c.2316A>C on transcript NM_198503.5 (MANE Select); coding-DNA position 2316, A replaced by C.
Protein change: p.Pro772=; no amino-acid change (proline 772 retained).
Molecular consequence: synonymous variant. On other transcripts: non-coding transcript variant (1), intron variant (2).
Genome position (GRCh38, 1-based): chr1:196,319,516, T>G on the plus strand (A>C on the coding strand, the complement: KCNT2 is on the minus strand). VCF-style: chr1-196319516-T-G. GRCh37 (hg19) VCF-style: chr1-196288646-T-G.
Other names: c.2127-3490A>C (NM_001287820.3); c.2277-3490A>C (NM_001287819.3).
Identifiers: ClinVar variation 4681382 (VCV004681382.6).

ClinVar aggregate classification (germline): Likely benign. Review status: criteria provided, multiple submitters, no conflicts (2 of 4 stars). 2 submissions from 2 submitters: Likely benign (2). Last evaluated 2025-12-01.

gnomAD v4.1: 701 of 1,610,386 alleles (0.044%); highest among the groups gnomAD compares: African/African-American, 0.65%; 2 homozygotes.

Submissions (2):

CeGaT Center for Human Genetics Tuebingen
Classification: Likely benign. Last evaluated: 2025-12-01. Review status: criteria provided, single submitter. Criteria: CeGaT Center For Human Genetics Tuebingen Variant Classification Criteria Version 2. Collection method: clinical testing. Allele origin: germline. Affected: yes. Observed: 1 variant allele.
Comment: KCNT2: BP4, BS1

Blueprint Genetics
Classification: Likely benign. Last evaluated: 2024-10-07. Review status: criteria provided, single submitter. Criteria: ACMG Guidelines, 2015. Collection method: clinical testing. Allele origin: germline.